The following is an entry in ClinVar:

NM_032578.4(MYPN):c.2974T>G (p.Cys992Gly)

Gene: MYPN (myopalladin; plus strand). Cytogenetic location: 10q21.3.
Variant type: single nucleotide variant.
Coding change: c.2974T>G on transcript NM_032578.4 (MANE Select); coding-DNA position 2974, T replaced by G.
Protein change: p.Cys992Gly; replaces cysteine 992 with glycine.
Molecular consequence: missense variant. On other transcripts: non-coding transcript variant (2).
Genome position (GRCh38, 1-based): chr10:68,194,411, T>G. VCF-style: chr10-68194411-T-G. GRCh37 (hg19) VCF-style: chr10-69954168-T-G.
Other names: c.2974T>G, p.Cys992Gly (NM_001256267.2); c.2092T>G, p.Cys698Gly (NM_001256268.2); short protein forms C698G, C992G.
Identifiers: ClinVar variation 653233 (VCV000653233.16), dbSNP rs367955895, ClinGen allele CA208221866.

ClinVar aggregate classification (germline): Uncertain significance. Review status: criteria provided, multiple submitters, no conflicts (2 of 4 stars). 4 submissions from 4 submitters: Uncertain significance (4). Last evaluated 2026-06-05.

Conditions:
Cardiovascular phenotype. Identifiers: MedGen CN230736.
Dilated cardiomyopathy 1KK (CMD1KK). Identifiers: Orphanet 154, Orphanet 75249, MedGen C3714995, MONDO:0014100, OMIM 615248.
MYPN-related disorder. Also called: MYPN-related condition.

Allele frequency attached by ClinVar (database versions not stated): gnomAD exomes 0.00001; TOPMed 0.00002; gnomAD 0.00006; ESP Exome Variant Server 0.00008.
gnomAD v4.1: 31 of 1,613,768 alleles (0.0019%); highest among the groups gnomAD compares: Non-Finnish European, 0.0026%; no homozygotes.

Submissions (4):

PreventionGenetics, part of Exact Sciences
Classification: Uncertain significance for MYPN-related condition. Last evaluated: 2026-06-05. Review status: criteria provided, single submitter. Criteria: ACMG Guidelines, 2015. Collection method: clinical testing. Allele origin: germline.
Comment: The MYPN c.2974T>G variant is predicted to result in the amino acid substitution p.Cys992Gly. To our knowledge, this variant has not been reported in the literature. This variant is reported in 0.0031% of alleles in individuals of European (Non-Finnish) descent in gnomAD. At this time, the clinical significance of this variant is uncertain due to the absence of conclusive functional and genetic evidence.

Ambry Genetics
Classification: Uncertain significance for Cardiovascular phenotype. Last evaluated: 2024-12-21. Review status: criteria provided, single submitter. Criteria: Ambry Variant Classification Scheme 2023. Collection method: clinical testing. Allele origin: germline.

GeneDx
Classification: Uncertain significance. Last evaluated: 2024-01-04. Review status: criteria provided, single submitter. Criteria: GeneDx Variant Classification Process June 2021. Collection method: clinical testing. Allele origin: germline. Affected: yes.
Comment: Has not been previously published as pathogenic or benign to our knowledge; Not observed at significant frequency in large population cohorts (gnomAD); In silico analysis supports that this missense variant does not alter protein structure/function

Labcorp Genetics (formerly Invitae), Labcorp
Classification: Uncertain significance for Dilated cardiomyopathy 1KK. Last evaluated: 2022-10-17. Review status: criteria provided, single submitter. Criteria: Invitae Variant Classification Sherloc (09022015). Collection method: clinical testing. Allele origin: germline.
Comment: This sequence change replaces cysteine, which is neutral and slightly polar, with glycine, which is neutral and non-polar, at codon 992 of the MYPN protein (p.Cys992Gly). The frequency data for this variant in the population databases is considered unreliable, as metrics indicate poor data quality at this position in the gnomAD database. This variant has not been reported in the literature in individuals affected with MYPN-related conditions. ClinVar contains an entry for this variant (Variation ID: 653233). Algorithms developed to predict the effect of missense changes on protein structure and function are either unavailable or do not agree on the potential impact of this missense change (SIFT: "Tolerated"; PolyPhen-2: "Possibly Damaging"; Align-GVGD: "Class C0"). In summary, the available evidence is currently insufficient to determine the role of this variant in disease. Therefore, it has been classified as a Variant of Uncertain Significance.